The following is an entry in ClinVar:

ClinVar aggregate classification (germline): Uncertain significance (1 of 4 stars; one submission).

Submission:

Labcorp Genetics (formerly Invitae), Labcorp
Classification: Uncertain significance. Last evaluated: 2022-02-12. Review status: criteria provided, single submitter. Criteria: Invitae Variant Classification Sherloc (09022015). Collection method: clinical testing. Allele origin: germline.
Comment: In summary, the available evidence is currently insufficient to determine the role of this variant in disease. Therefore, it has been classified as a Variant of Uncertain Significance. Experimental studies and prediction algorithms are not available or were not evaluated, and the functional significance of this variant is currently unknown. This variant has not been reported in the literature in individuals affected with LTBP4-related conditions. This variant is not present in population databases (gnomAD no frequency). This sequence change replaces aspartic acid, which is acidic and polar, with asparagine, which is neutral and polar, at codon 1529 of the LTBP4 protein (p.Asp1529Asn).

NM_001042545.2(LTBP4):c.4495G>A (p.Asp1499Asn)

Gene: LTBP4 (latent transforming growth factor beta binding protein 4; plus strand). Cytogenetic location: 19q13.2.
Variant type: single nucleotide variant.
Coding change: c.4495G>A on transcript NM_001042545.2 (MANE Select); coding-DNA position 4495, G replaced by A.
Protein change: p.Asp1499Asn; replaces aspartic acid 1499 with asparagine.
Molecular consequence: missense variant.
Genome position (GRCh38, 1-based): chr19:40,627,833, G>A. VCF-style: chr19-40627833-G-A. GRCh37 (hg19) VCF-style: chr19-41133738-G-A.
Other names: c.4696G>A, p.Asp1566Asn (NM_001042544.1); c.4585G>A, p.Asp1529Asn (NM_003573.2); short protein forms D1529N, D1566N, D1499N.
Identifiers: ClinVar variation 2097249 (VCV002097249.4), dbSNP rs2515398872, ClinGen allele CA405912607.